The following is an entry in ClinVar:

NM_000051.4(ATM):c.2360T>G (p.Leu787Trp)

Gene: ATM (ATM serine/threonine kinase; plus strand). Cytogenetic location: 11q22.3.
Variant type: single nucleotide variant.
Coding change: c.2360T>G on transcript NM_000051.4 (MANE Select); coding-DNA position 2360, T replaced by G.
Protein change: p.Leu787Trp; replaces leucine 787 with tryptophan.
Molecular consequence: missense variant.
Genome position (GRCh38, 1-based): chr11:108,257,590, T>G. VCF-style: chr11-108257590-T-G. GRCh37 (hg19) VCF-style: chr11-108128317-T-G.
Other names: c.2360T>G, p.Leu787Trp (NM_001351834.2); short protein forms L787W.
Identifiers: ClinVar variation 1371766 (VCV001371766.6), dbSNP rs2135408030, ClinGen allele CA382540320.

ClinVar aggregate classification (germline): Uncertain significance (1 of 4 stars; one submission).

Conditions:
Ataxia-telangiectasia syndrome (AT). Also called: Cerebello-oculocutaneous telangiectasia; Immunodeficiency with ataxia telangiectasia; AT, COMPLEMENTATION GROUP C; Ataxia-telangiectasia, complementation group E; LOUIS-BAR SYNDROME; ATAXIA-TELANGIECTASIA, COMPLEMENTATION GROUP A. Identifiers: Orphanet 100, MedGen C0004135, MONDO:0008840, OMIM 208900.

Submission:

Labcorp Genetics (formerly Invitae), Labcorp
Classification: Uncertain significance for Ataxia-telangiectasia syndrome. Last evaluated: 2021-08-02. Review status: criteria provided, single submitter. Criteria: Invitae Variant Classification Sherloc (09022015). Collection method: clinical testing. Allele origin: germline.
Comment: In summary, the available evidence is currently insufficient to determine the role of this variant in disease. Therefore, it has been classified as a Variant of Uncertain Significance. Advanced modeling of protein sequence and biophysical properties (such as structural, functional, and spatial information, amino acid conservation, physicochemical variation, residue mobility, and thermodynamic stability) performed at Invitae indicates that this missense variant is not expected to disrupt ATM protein function. This sequence change replaces leucine with tryptophan at codon 787 of the ATM protein (p.Leu787Trp). The leucine residue is moderately conserved and there is a small physicochemical difference between leucine and tryptophan. This variant is not present in population databases (ExAC no frequency). This variant has not been reported in the literature in individuals affected with ATM-related conditions.